The following is an entry in ClinVar:

NM_000051.4(ATM):c.2251-19T>C

Gene: ATM (ATM serine/threonine kinase; plus strand). Cytogenetic location: 11q22.3.
Variant type: single nucleotide variant.
Coding change: c.2251-19T>C on transcript NM_000051.4 (MANE Select); 19 bases into the intron before coding-DNA position 2251, T replaced by C.
Molecular consequence: intron variant.
Genome position (GRCh38, 1-based): chr11:108,257,462, T>C. VCF-style: chr11-108257462-T-C. GRCh37 (hg19) VCF-style: chr11-108128189-T-C.
Other names: c.2251-19T>C (NM_001351834.2).
Identifiers: ClinVar variation 245926 (VCV000245926.14), dbSNP rs370713089, ClinGen allele CA6264985.

ClinVar aggregate classification (germline): Benign/Likely benign. Review status: criteria provided, multiple submitters, no conflicts (2 of 4 stars). 4 submissions from 4 submitters: Benign (1); Likely benign (3). Last evaluated 2026-01-26.

Conditions:
Hereditary cancer-predisposing syndrome. Also called: Neoplastic Syndromes, Hereditary; Tumor predisposition; Hereditary neoplastic syndrome; Hereditary Cancer Syndrome. Identifiers: Orphanet 140162, MedGen C0027672, MeSH D009386, MONDO:0015356.
Familial cancer of breast. Also called: BREAST CANCER, FAMILIAL; Hereditary breast cancer; hereditary breast carcinoma. Identifiers: Orphanet 227535, MedGen C0346153, MONDO:0016419, OMIM 114480. Disease mechanism: loss of function.
Ataxia-telangiectasia syndrome (AT). Also called: Cerebello-oculocutaneous telangiectasia; Immunodeficiency with ataxia telangiectasia; Ataxia-telangiectasia; Ataxia telangiectasia (A-T); LOUIS-BAR SYNDROME; Ataxia-telangiectasia, complementation group D. Identifiers: Orphanet 100, MedGen C0004135, MONDO:0008840, OMIM 208900.

Allele frequency attached by ClinVar (database versions not stated): gnomAD exomes 0.00002 and 0.00007; ExAC 0.00008; 1000 Genomes Project 30x 0.00016; 1000 Genomes Project 0.00020; gnomAD 0.00022 and 0.00024; TOPMed 0.00027; ESP Exome Variant Server 0.00054.
gnomAD v4.1: 58 of 1,611,156 alleles (0.0036%); highest among the groups gnomAD compares: African/African-American, 0.073%; no homozygotes.

Submissions (4):

Labcorp Genetics (formerly Invitae), Labcorp
Classification: Likely benign for Ataxia-telangiectasia syndrome. Last evaluated: 2026-01-26. Review status: criteria provided, single submitter. Criteria: Invitae Variant Classification Sherloc (09022015). Collection method: clinical testing. Allele origin: germline.

Myriad Genetics, Inc.
Classification: Benign for Familial cancer of breast. Last evaluated: 2024-05-08. Review status: criteria provided, single submitter. Criteria: Myriad Autosomal Dominant, Autosomal Recessive and X-Linked Classification Criteria (2023). Collection method: clinical testing. Allele origin: unknown.
Comment: This variant is considered benign. This variant is intronic and is not expected to impact mRNA splicing. This variant is strongly associated with less severe personal and family histories of cancer, typical for individuals without pathogenic variants in this gene [PMID: 25085752].

GeneDx
Classification: Likely benign. Last evaluated: 2021-03-10. Review status: criteria provided, single submitter. Criteria: GeneDx Variant Classification Process June 2021. Collection method: clinical testing. Allele origin: germline. Affected: yes.

Color Diagnostics, LLC DBA Color Health
Classification: Likely benign for Hereditary cancer-predisposing syndrome. Last evaluated: 2015-04-27. Review status: criteria provided, single submitter. Criteria: ACMG Guidelines, 2015. Collection method: clinical testing. Allele origin: germline.

Literature cited by the submitters: PubMed 25085752 (cited by Myriad Genetics, Inc.).